The following is an entry in ClinVar:

NM_014053.4(FLVCR1):c.555C>T (p.Cys185=)

Gene: FLVCR1 (FLVCR choline and heme transporter 1; plus strand). Cytogenetic location: 1q32.3.
Variant type: single nucleotide variant.
Coding change: c.555C>T on transcript NM_014053.4 (MANE Select); coding-DNA position 555, C replaced by T.
Protein change: p.Cys185=; no amino-acid change (cysteine 185 retained).
Molecular consequence: synonymous variant.
Genome position (GRCh38, 1-based): chr1:212,859,007, C>T. VCF-style: chr1-212859007-C-T. GRCh37 (hg19) VCF-style: chr1-213032349-C-T.
Identifiers: ClinVar variation 2684195 (VCV002684195.1), dbSNP rs903525615, ClinGen allele CA36897272.
Genomic context (GRCh38, chr1:212,859,007, plus strand): 5'-CTGGCTGCTGGACACCAGAGGCCTGCGGCTCACCGCCCTGCTGGGCTCCGGCCTCAACTG[C>T]CTGGGTGCCTGGATCAAGTGCGGCAGTGTGCAGCAGCATCTCTTCTGGGTCACCATGTTG-3'
Protein context (NP_054772.1, residues 175-195): LTALLGSGLN[Cys185=]LGAWIKCGSV

ClinVar aggregate classification (germline): Uncertain significance (1 of 4 stars; one submission).

Allele frequency attached by ClinVar (database versions not stated): gnomAD exomes below 0.00001; TOPMed below 0.00001.
gnomAD v4.1: 7 of 1,612,684 alleles (0.00043%); highest among the groups gnomAD compares: Non-Finnish European, 0.00051%; no homozygotes.

Submission:

Athena Diagnostics
Classification: Uncertain significance. Last evaluated: 2022-10-19. Review status: criteria provided, single submitter. Criteria: Athena Diagnostics Criteria. Collection method: clinical testing. Allele origin: unknown.
Comment: Available data are insufficient to determine the clinical significance of the variant at this time. This variant has not been reported in large, multi-ethnic general populations. Computational tools yielded predictions that this variant is unlikely to have an effect on normal RNA splicing.